The following is an entry in ClinVar:

ClinVar aggregate classification (germline): Uncertain significance (1 of 4 stars; one submission).

gnomAD v4.1: 1 of 1,614,030 alleles (0.000062%); highest among the groups gnomAD compares: Non-Finnish European, 0.000085%; no homozygotes.

Submission:

GeneDx
Classification: Uncertain significance. Last evaluated: 2024-05-30. Review status: criteria provided, single submitter. Criteria: GeneDx Variant Classification Process June 2021. Collection method: clinical testing. Allele origin: germline. Affected: yes.
Comment: Not observed at significant frequency in large population cohorts (gnomAD); In silico analysis indicates that this missense variant does not alter protein structure/function; Has not been previously published as pathogenic or benign to our knowledge

NM_001303052.2(MYT1L):c.1183G>A (p.Val395Met)

Gene: MYT1L (myelin transcription factor 1 like; minus strand). Cytogenetic location: 2p25.3.
Variant type: single nucleotide variant.
Coding change: c.1183G>A on transcript NM_001303052.2 (MANE Select); coding-DNA position 1183, G replaced by A.
Protein change: p.Val395Met; replaces valine 395 with methionine.
Molecular consequence: missense variant.
Genome position (GRCh38, 1-based): chr2:1,922,586, C>T on the plus strand (G>A on the coding strand, the complement: MYT1L is on the minus strand). VCF-style: chr2-1922586-C-T. GRCh37 (hg19) VCF-style: chr2-1926358-C-T.
Other names: c.1183G>A, p.Val395Met (NM_001329844.2, NM_001329845.1, NM_001329846.3 and 6 more transcripts); short protein forms V395M.
Identifiers: ClinVar variation 3383844 (VCV003383844.1).